The following is an entry in ClinVar:

NM_015910.7(WDPCP):c.181C>A (p.Gln61Lys)

Gene: WDPCP (WD repeat containing planar cell polarity effector; minus strand). Cytogenetic location: 2p15.
Variant type: single nucleotide variant.
Coding change: c.181C>A on transcript NM_015910.7 (MANE Select); coding-DNA position 181, C replaced by A.
Protein change: p.Gln61Lys; replaces glutamine 61 with lysine.
Molecular consequence: missense variant. On other transcripts: non-coding transcript variant (2).
Genome position (GRCh38, 1-based): chr2:63,487,474, G>T on the plus strand (C>A on the coding strand, the complement: WDPCP is on the minus strand). VCF-style: chr2-63487474-G-T. GRCh37 (hg19) VCF-style: chr2-63714608-G-T.
Other names: c.109C>A, p.Gln37Lys (NM_001354044.2); c.181C>A, p.Gln61Lys (NM_001354045.2); short protein forms Q61K, Q37K.
Identifiers: ClinVar variation 2116659 (VCV002116659.4), dbSNP rs2467535186, ClinGen allele CA347066237.

ClinVar aggregate classification (germline): Uncertain significance (1 of 4 stars; one submission).

Conditions:
Bardet-Biedl syndrome (BBS). Identifiers: Orphanet 110, MedGen C0752166, MONDO:0015229.

gnomAD v4.1: 1 of 1,594,422 alleles (0.000063%); highest among the groups gnomAD compares: South Asian, 0.0011%; no homozygotes.

Submission:

Labcorp Genetics (formerly Invitae), Labcorp
Classification: Uncertain significance for Bardet-Biedl syndrome. Last evaluated: 2024-10-03. Review status: criteria provided, single submitter. Criteria: Invitae Variant Classification Sherloc (09022015). Collection method: clinical testing. Allele origin: germline.
Comment: This sequence change replaces glutamine, which is neutral and polar, with lysine, which is basic and polar, at codon 61 of the WDPCP protein (p.Gln61Lys). This variant is not present in population databases (gnomAD no frequency). This variant has not been reported in the literature in individuals affected with WDPCP-related conditions. ClinVar contains an entry for this variant (Variation ID: 2116659). Invitae Evidence Modeling of protein sequence and biophysical properties (such as structural, functional, and spatial information, amino acid conservation, physicochemical variation, residue mobility, and thermodynamic stability) indicates that this missense variant is not expected to disrupt WDPCP protein function with a negative predictive value of 80%. In summary, the available evidence is currently insufficient to determine the role of this variant in disease. Therefore, it has been classified as a Variant of Uncertain Significance.